The following is an entry in ClinVar:

NM_001105206.3(LAMA4):c.5456C>T (p.Ser1819Phe)

Gene: LAMA4 (laminin subunit alpha 4; minus strand). Cytogenetic location: 6q21.
Variant type: single nucleotide variant.
Coding change: c.5456C>T on transcript NM_001105206.3 (MANE Select); coding-DNA position 5456, C replaced by T.
Protein change: p.Ser1819Phe; replaces serine 1819 with phenylalanine.
Molecular consequence: missense variant.
Genome position (GRCh38, 1-based): chr6:112,109,453, G>A on the plus strand (C>T on the coding strand, the complement: LAMA4 is on the minus strand). VCF-style: chr6-112109453-G-A. GRCh37 (hg19) VCF-style: chr6-112430656-G-A.
Other names: c.5435C>T, p.Ser1812Phe (NM_001105207.3, NM_002290.5); short protein forms S1812F, S1819F.
Identifiers: ClinVar variation 2562627 (VCV002562627.3), dbSNP rs2546956943, ClinGen allele CA365363067.

ClinVar aggregate classification (germline): Uncertain significance. Review status: criteria provided, multiple submitters, no conflicts (2 of 4 stars). 2 submissions from 2 submitters: Uncertain significance (2). Last evaluated 2025-08-27.

Conditions:
Cardiovascular phenotype. Identifiers: MedGen CN230736.
Dilated cardiomyopathy 1JJ (CMD1JJ). Identifiers: Orphanet 154, MedGen C3808935, MONDO:0014095, OMIM 615235.

gnomAD v4.1: 5 of 1,614,010 alleles (0.00031%); highest among the groups gnomAD compares: Non-Finnish European, 0.00042%; no homozygotes.

Submissions (2):

Labcorp Genetics (formerly Invitae), Labcorp
Classification: Uncertain significance for Dilated cardiomyopathy 1JJ. Last evaluated: 2025-08-27. Review status: criteria provided, single submitter. Criteria: Invitae Variant Classification Sherloc (09022015). Collection method: clinical testing. Allele origin: germline.
Comment: This sequence change replaces serine, which is neutral and polar, with phenylalanine, which is neutral and non-polar, at codon 1812 of the LAMA4 protein (p.Ser1812Phe). This variant is not present in population databases (gnomAD no frequency). This variant has not been reported in the literature in individuals affected with LAMA4-related conditions. ClinVar contains an entry for this variant (Variation ID: 2562627). Invitae Evidence Modeling of protein sequence and biophysical properties (such as structural, functional, and spatial information, amino acid conservation, physicochemical variation, residue mobility, and thermodynamic stability) indicates that this missense variant is expected to disrupt LAMA4 protein function with a positive predictive value of 80%. In summary, the available evidence is currently insufficient to determine the role of this variant in disease. Therefore, it has been classified as a Variant of Uncertain Significance.

Ambry Genetics
Classification: Uncertain significance for Cardiovascular phenotype. Last evaluated: 2023-04-17. Review status: criteria provided, single submitter. Criteria: Ambry Variant Classification Scheme 2023. Collection method: clinical testing. Allele origin: germline.
Comment: The p.S1812F variant (also known as c.5435C>T), located in coding exon 38 of the LAMA4 gene, results from a C to T substitution at nucleotide position 5435. The serine at codon 1812 is replaced by phenylalanine, an amino acid with highly dissimilar properties. This amino acid position is conserved. In addition, the in silico prediction for this alteration is inconclusive. Since supporting evidence is limited at this time, the clinical significance of this alteration remains unclear.